The following is an entry in ClinVar:

NM_001013703.4(EIF2AK4):c.744-242G>T

Gene: EIF2AK4 (eukaryotic translation initiation factor 2 alpha kinase 4; plus strand). Cytogenetic location: 15q15.1.
Variant type: single nucleotide variant.
Coding change: c.744-242G>T on transcript NM_001013703.4 (MANE Select); 242 bases into the intron before coding-DNA position 744, G replaced by T.
Molecular consequence: intron variant.
Genome position (GRCh38, 1-based): chr15:39,961,542, G>T. VCF-style: chr15-39961542-G-T. GRCh37 (hg19) VCF-style: chr15-40253743-G-T.
Identifiers: ClinVar variation 678093 (VCV000678093.1), dbSNP rs1436276, ClinGen allele CA14158819.
Genomic context (GRCh38, chr15:39,961,542, plus strand): 5'-TCAGTTTTATTTTAATAGCCACAGCATTGGGCAGCACAGACCTCGAGTTAGGGGTTTGTG[G>T]TTTTCATGTGGAGAAGATGACAATGGGAAGTGGGGGAAGTGAATGGCTTTCCCATTAGCA-3'

ClinVar aggregate classification (germline): Benign (1 of 4 stars; one submission).

Allele frequency attached by ClinVar (database versions not stated): 1000 Genomes Project 0.84425; 1000 Genomes Project 30x 0.84525; TOPMed 0.90172; gnomAD 0.91285 and 0.91690.
gnomAD v4.1: 138,833 of 152,064 alleles (91%); highest among the groups gnomAD compares: Middle Eastern, 97%; 63,798 homozygotes.

Submission:

GeneDx
Classification: Benign. Last evaluated: 2018-06-14. Review status: criteria provided, single submitter. Criteria: GeneDx Variant Classification (06012015). Collection method: clinical testing. Allele origin: germline. Affected: yes.
Comment: This variant is considered likely benign or benign based on one or more of the following criteria: it is a conservative change, it occurs at a poorly conserved position in the protein, it is predicted to be benign by multiple in silico algorithms, and/or has population frequency not consistent with disease.